The following is an entry in ClinVar:

ClinVar aggregate classification (germline): Uncertain significance. Review status: criteria provided, multiple submitters, no conflicts (2 of 4 stars). 7 submissions from 7 submitters: Uncertain significance (6). 1 of the submissions does not count toward it. Last evaluated 2026-05-18.

Conditions:
CFTR-related disorder (CFTR-RD). Also called: CFTR-related disorders; CFTR-related condition. Identifiers: MedGen C5924204, MONDO:7770004.
Hereditary pancreatitis (PCTT). Also called: Hereditary chronic pancreatitis; PRSS1-Related Hereditary Pancreatitis. Identifiers: Orphanet 676, MedGen C0238339, MONDO:0008185, OMIM 167800.
Bronchiectasis with or without elevated sweat chloride 1 (BESC1). Also called: Cystic Fibrosis-Like Syndrome. Identifiers: Orphanet 60033, MedGen C2749757, MONDO:0008887, OMIM 211400.
Congenital bilateral aplasia of vas deferens from CFTR mutation (CBAVD). Identifiers: Orphanet 48, MedGen C0403814, MONDO:0010178, OMIM 277180. Disease mechanism: loss of function.
Cystic fibrosis (CF). Also called: MUCOVISCIDOSIS. Identifiers: Orphanet 586, MedGen C0010674, MONDO:0009061, OMIM 219700. Disease mechanism: loss of function.

gnomAD v4.1: 8 of 1,613,936 alleles (0.0005%); highest among the groups gnomAD compares: Admixed American, 0.0067%; no homozygotes.

Submissions (7):

PreventionGenetics, part of Exact Sciences
Classification: Uncertain significance for CFTR-related condition. Last evaluated: 2026-05-18. Review status: criteria provided, single submitter. Criteria: ACMG Guidelines, 2015. Collection method: clinical testing. Allele origin: germline.
Comment: The CFTR c.2812G>C variant is predicted to result in the amino acid substitution p.Val938Leu. To our knowledge, this variant has not been reported in the literature. This variant is reported in 0.0058% of alleles in individuals of Latino descent in gnomAD. Alternate variants of the same amino acid (p.Val938Met, p.Val938Gly) have also been reported in individuals with primarily CF-related disorders (Dörk et al. 1997. PubMed ID: 9272157; Sofia et al. 2016. PubMed ID: 27264265; De Wachter et al 2017. PubMed ID: 28830496; TableS1, Fang et al. 2022. PubMed ID: 36437957). At this time, the clinical significance of the c.2812G>C, p.Val938Leu variant is uncertain due to the absence of conclusive functional and genetic evidence.

Labcorp Genetics (formerly Invitae), Labcorp
Classification: Uncertain significance for Cystic fibrosis. Last evaluated: 2026-01-17. Review status: criteria provided, single submitter. Criteria: Invitae Variant Classification Sherloc (09022015). Collection method: clinical testing. Allele origin: germline.
Comment: This sequence change replaces valine, which is neutral and non-polar, with leucine, which is neutral and non-polar, at codon 938 of the CFTR protein (p.Val938Leu). This variant is present in population databases (rs749784731, gnomAD 0.006%). This missense change has been observed in individual(s) with congenital bilateral absence of the vas deferens (PMID: 32777524). ClinVar contains an entry for this variant (Variation ID: 455772). Invitae Evidence Modeling of protein sequence and biophysical properties (such as structural, functional, and spatial information, amino acid conservation, physicochemical variation, residue mobility, and thermodynamic stability) has been performed for this missense variant. However, the output from this modeling did not meet the statistical confidence thresholds required to predict the impact of this variant on CFTR protein function. This variant disrupts the p.Val938 amino acid residue in CFTR. Other variant(s) that disrupt this residue have been determined to be pathogenic (PMID: 9272157, 17329263, 28603918). This suggests that this residue is clinically significant, and that variants that disrupt this residue are likely to be disease-causing. In summary, the available evidence is currently insufficient to determine the role of this variant in disease. Therefore, it has been classified as a Variant of Uncertain Significance.

Ambry Genetics
Classification: Uncertain significance for Cystic fibrosis. Last evaluated: 2024-08-26. Review status: criteria provided, single submitter. Criteria: Ambry Variant Classification Scheme 2023. Collection method: clinical testing. Allele origin: germline.
Comment: The p.V938L variant (also known as c.2812G>C), located in coding exon 17 of the CFTR gene, results from a G to C substitution at nucleotide position 2812. The valine at codon 938 is replaced by leucine, an amino acid with highly similar properties. This amino acid position is highly conserved in available vertebrate species. In addition, the in silico prediction for this alteration is inconclusive. Since supporting evidence is limited at this time, the clinical significance of this alteration remains unclear.

Quest Diagnostics Nichols Institute San Juan Capistrano
Classification: Uncertain significance. Last evaluated: 2024-07-23. Review status: criteria provided, single submitter. Criteria: Quest Diagnostics criteria. Collection method: clinical testing. Allele origin: unknown.
Comment: The CFTR c.2812G>C (p.Val938Leu) variant, to the best of our knowledge, has not been reported in the published literature. A different variant causing the same amino acid substitution, c.2812G>T (p.Val938Leu), has been reported in individuals with CBAVD (congenital absence of the vas deferens) (PMID: 32777524 (2021)), and in an infant with cystic fibrosis (CF) who carried a CF-causing variant on the opposite chromosome (PMIDs: 37477516 (2023), 35858753 (2022)). The frequency of the c.2812G>C (p.Val938Leu) variant in the general population, 0.000008 (2/251402 chromosomes (Genome Aggregation Database)), is uninformative in the assessment of its pathogenicity. Analysis of this variant using bioinformatics tools for the prediction of the effect of amino acid changes on protein structure and function yielded predictions that this variant is damaging. Based on the available information, we are unable to determine the clinical significance of this variant.

Genome-Nilou Lab
Classification: Uncertain significance for Cystic fibrosis. Last evaluated: 2021-09-05. Review status: criteria provided, single submitter. Criteria: ACMG Guidelines, 2015. Collection method: clinical testing. Allele origin: germline. Affected: no.

Fulgent Genetics
Classification: Uncertain significance for Hereditary pancreatitis; Bronchiectasis with or without elevated sweat chloride 1; Cystic fibrosis; Congenital bilateral aplasia of vas deferens from CFTR mutation. Last evaluated: 2021-07-23. Review status: criteria provided, single submitter. Criteria: ACMG Guidelines, 2015. Collection method: clinical testing. Allele origin: unknown.

Natera, Inc.
Classification: Uncertain significance for Cystic Fibrosis. Last evaluated: 2020-09-16. Review status: no assertion criteria provided. Collection method: clinical testing. Allele origin: germline. Not counted in ClinVar's aggregate classification.

Literature cited by the submitters: PubMed 32777524 (cited by Labcorp Genetics (formerly Invitae), Labcorp and Quest Diagnostics Nichols Institute San Juan Capistrano); PubMed 9272157 (cited by Labcorp Genetics (formerly Invitae), Labcorp); PubMed 17329263 (cited by Labcorp Genetics (formerly Invitae), Labcorp); PubMed 28603918 (cited by Labcorp Genetics (formerly Invitae), Labcorp); PubMed 37477516 (cited by Quest Diagnostics Nichols Institute San Juan Capistrano); PubMed 35858753 (cited by Quest Diagnostics Nichols Institute San Juan Capistrano); PubMed 25735457 (cited by Quest Diagnostics Nichols Institute San Juan Capistrano).

NM_000492.4(CFTR):c.2812G>C (p.Val938Leu)

Gene: CFTR (CF transmembrane conductance regulator; plus strand). Cytogenetic location: 7q31.2.
Variant type: single nucleotide variant.
Coding change: c.2812G>C on transcript NM_000492.4 (MANE Select); coding-DNA position 2812, G replaced by C.
Protein change: p.Val938Leu; replaces valine 938 with leucine.
Molecular consequence: missense variant.
Genome position (GRCh38, 1-based): chr7:117,603,686, G>C. VCF-style: chr7-117603686-G-C. GRCh37 (hg19) VCF-style: chr7-117243740-G-C.
Other names: short protein forms V938L.
Identifiers: ClinVar variation 455772 (VCV000455772.15), dbSNP rs749784731, ClinGen allele CA4451291.
Genomic context (GRCh38, chr7:117,603,686, plus strand): 5'-ATTTACGTGGGAGTAGCCGACACTTTGCTTGCTATGGGATTCTTCAGAGGTCTACCACTG[G>C]TGCATACTCTAATCACAGTGTCGAAAATTTTACACCACAAAATGTTACATTCTGTTCTTC-3'
Protein context (NP_000483.3, residues 928-948): AMGFFRGLPL[Val938Leu]HTLITVSKIL